The following is an entry in ClinVar:

ClinVar aggregate classification (germline): Uncertain significance. Review status: criteria provided, multiple submitters, no conflicts (2 of 4 stars). 8 submissions from 8 submitters: Uncertain significance (7). 1 of the submissions does not count toward it. Last evaluated 2025-04-25.

Conditions:
Inborn genetic diseases. Identifiers: MedGen C0950123, MeSH D030342.
Microcephaly 5, primary, autosomal recessive (MCPH5). Also called: ASPM Primary Microcephaly. Identifiers: Orphanet 2512, MedGen C1837501, MONDO:0012106, OMIM 608716.
Intellectual disability. Also called: Intellectual developmental disorder; Intellectual functioning disability; intellectual disabilities. Identifiers: MedGen C3714756, MeSH D008607, MONDO:0001071, HP:0001249.

Allele frequency attached by ClinVar (database versions not stated): ESP Exome Variant Server 0.00008; 1000 Genomes Project 0.00020; gnomAD 0.00021 and 0.00026; gnomAD exomes 0.00028 and 0.00043; ExAC 0.00029; 1000 Genomes Project 30x 0.00031; TOPMed 0.00032.
gnomAD v4.1: 667 of 1,612,194 alleles (0.041%); highest among the groups gnomAD compares: Admixed American, 0.057%; 1 homozygote.

Submissions (8):

Athena Diagnostics
Classification: Uncertain significance. Last evaluated: 2025-04-25. Review status: criteria provided, single submitter. Criteria: Athena Diagnostics Criteria. Collection method: clinical testing. Allele origin: unknown.
Comment: Available data are insufficient to determine the clinical significance of the variant at this time. The frequency of this variant in the general population is higher than would generally be expected for pathogenic variants in this gene. Polyphen and MutationTaster yielded discordant predictions regarding whether this amino acid change is damaging to the protein.

Labcorp Genetics (formerly Invitae), Labcorp
Classification: Uncertain significance. Last evaluated: 2024-12-16. Review status: criteria provided, single submitter. Criteria: Invitae Variant Classification Sherloc (09022015). Collection method: clinical testing. Allele origin: germline.
Comment: This sequence change replaces isoleucine, which is neutral and non-polar, with threonine, which is neutral and polar, at codon 2670 of the ASPM protein (p.Ile2670Thr). This variant is present in population databases (rs41299627, gnomAD 0.06%). This variant has not been reported in the literature in individuals affected with ASPM-related conditions. ClinVar contains an entry for this variant (Variation ID: 157884). An algorithm developed to predict the effect of missense changes on protein structure and function outputs the following: PolyPhen-2: "Benign". The threonine amino acid residue is found in multiple mammalian species, which suggests that this missense change does not adversely affect protein function. In summary, the available evidence is currently insufficient to determine the role of this variant in disease. Therefore, it has been classified as a Variant of Uncertain Significance.

Blueprint Genetics
Classification: Uncertain significance. Last evaluated: 2024-10-22. Review status: criteria provided, single submitter. Criteria: ACMG Guidelines, 2015. Collection method: clinical testing. Allele origin: germline.

Genome-Nilou Lab
Classification: Uncertain significance for Microcephaly 5, primary, autosomal recessive. Last evaluated: 2023-04-11. Review status: criteria provided, single submitter. Criteria: ACMG Guidelines, 2015. Collection method: clinical testing. Allele origin: germline. Affected: no.

Ambry Genetics
Classification: Uncertain significance for Inborn genetic diseases. Last evaluated: 2022-05-02. Review status: criteria provided, single submitter. Criteria: Ambry Variant Classification Scheme 2023. Collection method: clinical testing. Allele origin: germline.

Illumina Laboratory Services, Illumina
Classification: Uncertain significance for Microcephaly 5, primary, autosomal recessive. Last evaluated: 2018-01-12. Review status: criteria provided, single submitter. Criteria: ICSL Variant Classification Criteria 13 December 2019. Collection method: clinical testing. Allele origin: germline.

Genetic Services Laboratory, University of Chicago
Classification: Uncertain significance for Microcephaly 5, primary, autosomal recessive. Last evaluated: 2013-06-13. Review status: criteria provided, single submitter. Criteria: ACMG Guidelines, 2007. Collection method: clinical testing. Allele origin: germline. Inheritance: Autosomal recessive inheritance.

Centre de Biologie Pathologie Génétique, Centre Hospitalier Universitaire de Lille
Classification: Uncertain significance for Intellectual disability. Last evaluated: 2019-01-01. Review status: no assertion criteria provided. Collection method: clinical testing. Allele origin: unknown. Affected: yes. Not counted in ClinVar's aggregate classification.

Literature cited by the submitters: PubMed 36553628 (cited by Athena Diagnostics).

NM_018136.5(ASPM):c.8009T>C (p.Ile2670Thr)

Gene: ASPM (assembly factor for spindle microtubules; minus strand). Cytogenetic location: 1q31.3.
Variant type: single nucleotide variant.
Coding change: c.8009T>C on transcript NM_018136.5 (MANE Select); coding-DNA position 8009, T replaced by C.
Protein change: p.Ile2670Thr; replaces isoleucine 2670 with threonine.
Molecular consequence: missense variant. On other transcripts: intron variant (1).
Genome position (GRCh38, 1-based): chr1:197,101,242, A>G on the plus strand (T>C on the coding strand, the complement: ASPM is on the minus strand). VCF-style: chr1-197101242-A-G. GRCh37 (hg19) VCF-style: chr1-197070372-A-G.
Other names: c.4066-5078T>C (NM_001206846.2); short protein forms I2670T.
Identifiers: ClinVar variation 157884 (VCV000157884.20), dbSNP rs41299627, ClinGen allele CA271110.